The following is an entry in ClinVar:

ClinVar aggregate classification (germline): Uncertain significance (1 of 4 stars; one submission).

Conditions:
Syndromic multisystem autoimmune disease due to ITCH deficiency. Also called: AUTOIMMUNE DISEASE, MULTISYSTEM, WITH FACIAL DYSMORPHISM. Identifiers: Orphanet 228426, MedGen C3150649, MONDO:0013245, OMIM 613385.

Allele frequency attached by ClinVar (database versions not stated): TOPMed below 0.00001.

Submission:

Labcorp Genetics (formerly Invitae), Labcorp
Classification: Uncertain significance for Syndromic multisystem autoimmune disease due to ITCH deficiency. Last evaluated: 2018-09-06. Review status: criteria provided, single submitter. Criteria: Invitae Variant Classification Sherloc (09022015). Collection method: clinical testing. Allele origin: germline.
Comment: This variant has not been reported in the literature in individuals with ITCH-related disease. In summary, the available evidence is currently insufficient to determine the role of this variant in disease. Therefore, it has been classified as a Variant of Uncertain Significance. Algorithms developed to predict the effect of missense changes on protein structure and function are either unavailable or do not agree on the potential impact of this missense change (SIFT: "Tolerated"; PolyPhen-2: "Probably Damaging"; Align-GVGD: "Class C0"). This variant is not present in population databases (ExAC no frequency). This sequence change replaces asparagine with aspartic acid at codon 204 of the ITCH protein (p.Asn204Asp). The asparagine residue is moderately conserved and there is a small physicochemical difference between asparagine and aspartic acid.

NM_031483.7(ITCH):c.610A>G (p.Asn204Asp)

Gene: ITCH (itchy E3 ubiquitin protein ligase; plus strand). Cytogenetic location: 20q11.22.
Variant type: single nucleotide variant.
Coding change: c.610A>G on transcript NM_031483.7 (MANE Select); coding-DNA position 610, A replaced by G.
Protein change: p.Asn204Asp; replaces asparagine 204 with aspartic acid.
Molecular consequence: missense variant.
Genome position (GRCh38, 1-based): chr20:34,438,562, A>G. VCF-style: chr20-34438562-A-G. GRCh37 (hg19) VCF-style: chr20-33026367-A-G.
Other names: c.733A>G, p.Asn245Asp (NM_001257137.3, NM_001324197.2); c.280A>G, p.Asn94Asp (NM_001257138.3); c.610A>G, p.Asn204Asp (NM_001324198.2); short protein forms N204D, N245D, N94D.
Identifiers: ClinVar variation 640637 (VCV000640637.7), dbSNP rs1601902200, ClinGen allele CA408662678.